The following is an entry in ClinVar:

ClinVar aggregate classification (germline): Pathogenic (1 of 4 stars; one submission).

Conditions:
Gorlin syndrome. Also called: Nevoid Basal Cell Carcinoma Syndrome; Basal cell nevus syndrome. Identifiers: Orphanet 377, MedGen C0004779, MONDO:0007187.

Submission:

Labcorp Genetics (formerly Invitae), Labcorp
Classification: Pathogenic for Gorlin syndrome. Last evaluated: 2024-03-25. Review status: criteria provided, single submitter. Criteria: Invitae Variant Classification Sherloc (09022015). Collection method: clinical testing. Allele origin: germline.
Comment: This sequence change creates a premature translational stop signal (p.Met561Ilefs*66) in the PTCH1 gene. It is expected to result in an absent or disrupted protein product. Loss-of-function variants in PTCH1 are known to be pathogenic (PMID: 16301862, 16419085). This variant is not present in population databases (gnomAD no frequency). This variant has not been reported in the literature in individuals affected with PTCH1-related conditions. For these reasons, this variant has been classified as Pathogenic.

Literature cited by the submitters: PubMed 16301862; PubMed 16419085.

NM_000264.5(PTCH1):c.1682dup (p.Met561fs)

Gene: PTCH1 (patched 1; minus strand). Cytogenetic location: 9q22.32.
Variant type: Duplication.
Coding change: c.1682dup on transcript NM_000264.5 (MANE Select); coding-DNA position 1682, one base duplicated (T; older notation c.1682dupT).
Protein change: p.Met561fs; shifts the reading frame from methionine 561.
Molecular consequence: frameshift variant. On other transcripts: non-coding transcript variant (1).
Genome position (GRCh38, 1-based): chr9:95,476,080, A duplicated on the plus strand (T on the coding strand, the reverse complement: PTCH1 is on the minus strand). VCF-style (leftmost placement, unchanged base first): chr9-95476079-C-CA. GRCh37 (hg19) VCF-style: chr9-98238361-C-CA.
Other names: c.1229dup, p.Met410fs (NM_001083606.3, NM_001083607.3, NM_001083604.3 and 1 more transcripts); c.1526dup, p.Met509fs (NM_001354918.2); c.1484dup, p.Met495fs (NM_001083602.3); c.1679dup, p.Met560fs (NM_001083603.3); short protein forms M410fs, M495fs, M509fs, M560fs, M561fs.
Identifiers: ClinVar variation 3647537 (VCV003647537.2).